The following is an entry in ClinVar:

NM_001378183.1(PIEZO2):c.1615T>A (p.Tyr539Asn)

Gene: PIEZO2 (piezo type mechanosensitive ion channel component 2; minus strand). Cytogenetic location: 18p11.22.
Variant type: single nucleotide variant.
Coding change: c.1615T>A on transcript NM_001378183.1 (MANE Select); coding-DNA position 1615, T replaced by A.
Protein change: p.Tyr539Asn; replaces tyrosine 539 with asparagine.
Molecular consequence: missense variant.
Genome position (GRCh38, 1-based): chr18:10,794,915, A>T on the plus strand (T>A on the coding strand, the complement: PIEZO2 is on the minus strand). VCF-style: chr18-10794915-A-T. GRCh37 (hg19) VCF-style: chr18-10794913-A-T.
Other names: c.1615T>A, p.Tyr539Asn (NM_001410871.1, NM_022068.4); short protein forms Y539N.
Identifiers: ClinVar variation 3384591 (VCV003384591.2).

ClinVar aggregate classification (germline): Uncertain significance (1 of 4 stars; one submission).

Submission:

GeneDx
Classification: Uncertain significance. Last evaluated: 2025-08-11. Review status: criteria provided, single submitter. Criteria: GeneDx Variant Classification Process June 2021. Collection method: clinical testing. Allele origin: germline.
Comment: Not observed at significant frequency in large population cohorts (gnomAD); In silico analysis supports that this missense variant has a deleterious effect on protein structure/function; Has not been previously published as pathogenic or benign to our knowledge